The following is an entry in ClinVar:

NM_177559.3(CSNK2A1):c.721C>G (p.Gln241Glu)

Gene: CSNK2A1 (casein kinase 2 alpha 1; minus strand). Cytogenetic location: 20p13.
Variant type: single nucleotide variant.
Coding change: c.721C>G on transcript NM_177559.3 (MANE Select); coding-DNA position 721, C replaced by G.
Protein change: p.Gln241Glu; replaces glutamine 241 with glutamic acid.
Molecular consequence: missense variant.
Genome position (GRCh38, 1-based): chr20:489,782, G>C on the plus strand (C>G on the coding strand, the complement: CSNK2A1 is on the minus strand). VCF-style: chr20-489782-G-C. GRCh37 (hg19) VCF-style: chr20-470426-G-C.
Other names: c.721C>G, p.Gln241Glu (NM_001362770.2, NM_001362771.2, NM_001895.4); c.313C>G, p.Gln105Glu (NM_177560.3); short protein forms Q105E, Q241E.
Identifiers: ClinVar variation 3778508 (VCV003778508.7).
Genomic context (GRCh38, chr20:489,782, plus strand): 5'-GTGCTGGCTATCATTGCATTAGGCCAGTACATTTTTCAATGGGTATAACATATATTACCT[G>C]ATCATAATTGTCATGTCCATGGAAAAATGGCTCCTTCCGAAAGATCATACTTGCCAGCAT-3'
Protein context (NP_808227.1, residues 231-251): PFFHGHDNYD[Gln241Glu]LVRIAKVLGT

ClinVar aggregate classification (germline): Uncertain significance (1 of 4 stars; one submission).

Submission:

CeGaT Center for Human Genetics Tuebingen
Classification: Uncertain significance. Last evaluated: 2025-03-01. Review status: criteria provided, single submitter. Criteria: CeGaT Center For Human Genetics Tuebingen Variant Classification Criteria Version 2. Collection method: clinical testing. Allele origin: germline. Affected: yes. Observed: 1 variant allele.
Comment: CSNK2A1: PM2, PS2:Moderate, PP2